The following is an entry in ClinVar:

ClinVar aggregate classification (germline): Benign (1 of 4 stars; one submission).

Allele frequency attached by ClinVar (database versions not stated): 1000 Genomes Project 30x 0.10899; 1000 Genomes Project 0.11941; gnomAD exomes 0.14878 and 0.20631; ExAC 0.15166; TOPMed 0.15822; gnomAD 0.16112 and 0.16506; ESP Exome Variant Server 0.18035.
gnomAD v4.1: 324,543 of 1,608,406 alleles (20%); highest among the groups gnomAD compares: Non-Finnish European, 23%; 36,090 homozygotes.

Submission:

GeneDx
Classification: Benign. Last evaluated: 2020-02-17. Review status: criteria provided, single submitter. Criteria: GeneDx Variant Classification Process June 2021. Collection method: clinical testing. Allele origin: germline. Affected: yes.
Comment: This variant is associated with the following publications: (PMID: 22182809)

NM_001105564.2(CCHCR1):c.574C>T (p.Arg192Trp)

Gene: CCHCR1 (coiled-coil alpha-helical rod protein 1; minus strand). Cytogenetic location: 6p21.33.
Variant type: single nucleotide variant.
Coding change: c.574C>T on transcript NM_001105564.2 (MANE Select); coding-DNA position 574, C replaced by T.
Protein change: p.Arg192Trp; replaces arginine 192 with tryptophan.
Molecular consequence: missense variant. On other transcripts: 5 prime UTR variant (1).
Genome position (GRCh38, 1-based): chr6:31,154,723, G>A on the plus strand (C>T on the coding strand, the complement: CCHCR1 is on the minus strand). VCF-style: chr6-31154723-G-A. GRCh37 (hg19) VCF-style: chr6-31122500-G-A.
Other names: c.466C>T, p.Arg156Trp (NM_001105563.3); c.601C>T, p.Arg201Trp (NM_001394641.1); c.307C>T, p.Arg103Trp (NM_001394642.1, NM_001394643.1, NM_001394644.1 and 2 more transcripts); c.229C>T, p.Arg77Trp (NM_001394647.1); c.199C>T, p.Arg67Trp (NM_001394648.1); c.-51C>T (NM_001394649.1); short protein forms R103W, R156W, R192W, R201W, R67W, R77W.
Identifiers: ClinVar variation 1242555 (VCV001242555.2), dbSNP rs130065, ClinGen allele CA3709461.